The following is an entry in ClinVar:

NM_000228.3(LAMB3):c.878G>C (p.Cys293Ser)

Gene: LAMB3 (laminin subunit beta 3; minus strand). Cytogenetic location: 1q32.2.
Variant type: single nucleotide variant.
Coding change: c.878G>C on transcript NM_000228.3 (MANE Select); coding-DNA position 878, G replaced by C.
Protein change: p.Cys293Ser; replaces cysteine 293 with serine.
Molecular consequence: missense variant.
Genome position (GRCh38, 1-based): chr1:209,630,680, C>G on the plus strand (G>C on the coding strand, the complement: LAMB3 is on the minus strand). VCF-style: chr1-209630680-C-G. GRCh37 (hg19) VCF-style: chr1-209804025-C-G.
Other names: c.878G>C, p.Cys293Ser (NM_001017402.2, NM_001127641.1); short protein forms C293S.
Identifiers: ClinVar variation 5004232 (VCV005004232.1).

ClinVar aggregate classification (germline): Likely pathogenic (1 of 4 stars; one submission).

Conditions:
Junctional epidermolysis bullosa. Identifiers: Orphanet 305, MedGen C0079301, MONDO:0017612.

Submission:

Myriad Genetics, Inc.
Classification: Likely pathogenic for Junctional epidermolysis bullosa. Last evaluated: 2025-10-22. Review status: criteria provided, single submitter. Criteria: Myriad Autosomal Dominant, Autosomal Recessive and X-Linked Classification Criteria (2023). Collection method: clinical testing. Allele origin: unknown.
Comment: NM_000228.2(LAMB3):c.878G>C(C293S) is a missense variant classified as likely pathogenic in the context of junctional epidermolysis bullosa, LAMB3-related. C293S has been observed in cases with relevant disease (PMID: 11296269, 11810295, 9690563). Relevant functional assessments of this variant are not available in the literature. C293S has not been observed in referenced population frequency databases. In summary, NM_000228.2(LAMB3):c.878G>C(C293S) is a missense variant that has internal structural support for pathogenicity and has been observed more frequently in cases with the relevant disease than in healthy populations. Please note: this variant was assessed in the context of healthy population screening.

Literature cited by the submitters: PubMed 11296269; PubMed 11810295; PubMed 9690563.